The following is an entry in ClinVar:

ClinVar aggregate classification (germline): Uncertain significance (1 of 4 stars; one submission).

Conditions:
Fabry disease. Also called: Fabry's disease; ALPHA-GALACTOSIDASE A DEFICIENCY; ANDERSON-FABRY DISEASE; CERAMIDE TRIHEXOSIDASE DEFICIENCY; GLA DEFICIENCY; HEREDITARY DYSTOPIC LIPIDOSIS. Identifiers: Orphanet 324, MedGen C0002986, MONDO:0010526, OMIM 301500, HP:0001071. Disease mechanism: Fabry disease is due to inactivating mutations in the X-linked GLA gene resulting in deficiency of the enzyme Alpha Galactosidase-A., loss of function.

Submission:

Labcorp Genetics (formerly Invitae), Labcorp
Classification: Uncertain significance for Fabry disease. Last evaluated: 2024-08-20. Review status: criteria provided, single submitter. Criteria: Invitae Variant Classification Sherloc (09022015). Collection method: clinical testing. Allele origin: germline.
Comment: This sequence change replaces glutamine, which is neutral and polar, with glutamic acid, which is acidic and polar, at codon 330 of the GLA protein (p.Gln330Glu). This variant is not present in population databases (gnomAD no frequency). This variant has not been reported in the literature in individuals affected with GLA-related conditions. Invitae Evidence Modeling of protein sequence and biophysical properties (such as structural, functional, and spatial information, amino acid conservation, physicochemical variation, residue mobility, and thermodynamic stability) indicates that this missense variant is not expected to disrupt GLA protein function with a negative predictive value of 80%. Algorithms developed to predict the effect of sequence changes on RNA splicing suggest that this variant may create or strengthen a splice site. In summary, the available evidence is currently insufficient to determine the role of this variant in disease. Therefore, it has been classified as a Variant of Uncertain Significance.

NM_000169.3(GLA):c.988C>G (p.Gln330Glu)

Genes: GLA (galactosidase alpha; minus strand), RPL36A-HNRNPH2 (RPL36A-HNRNPH2 readthrough; plus strand). Cytogenetic location: Xq22.1.
Variant type: single nucleotide variant.
Coding change: c.988C>G on transcript NM_000169.3 (MANE Select); coding-DNA position 988, C replaced by G.
Protein change: p.Gln330Glu; replaces glutamine 330 with glutamic acid.
Molecular consequence: missense variant. On other transcripts: non-coding transcript variant (3), intron variant (2).
Genome position (GRCh38, 1-based): chrX:101,398,381, G>C on the plus strand (C>G on the coding strand, the complement: GLA is on the minus strand). VCF-style: chrX-101398381-G-C. GRCh37 (hg19) VCF-style: chrX-100653369-G-C.
Other names: c.1111C>G, p.Gln371Glu (NM_001406747.1); c.988C>G, p.Gln330Glu (NM_001406748.1); c.300+2924G>C (NM_001199973.2); c.177+6559G>C (NM_001199974.2); short protein forms Q330E, Q371E.
Identifiers: ClinVar variation 3663033 (VCV003663033.2).